The following is an entry in ClinVar:

NM_001606.5(ABCA2):c.1257C>T (p.Gly419=)

Gene: ABCA2 (ATP binding cassette subfamily A member 2; minus strand). Cytogenetic location: 9q34.3.
Variant type: single nucleotide variant.
Coding change: c.1257C>T on transcript NM_001606.5 (MANE Select); coding-DNA position 1257, C replaced by T.
Protein change: p.Gly419=; no amino-acid change (glycine 419 retained).
Molecular consequence: synonymous variant.
Genome position (GRCh38, 1-based): chr9:137,020,702, G>A on the plus strand (C>T on the coding strand, the complement: ABCA2 is on the minus strand). VCF-style: chr9-137020702-G-A. GRCh37 (hg19) VCF-style: chr9-139915154-G-A.
Other names: c.1254C>T, p.Gly418= (NM_001411042.1); c.1347C>T, p.Gly449= (NM_212533.3).
Identifiers: ClinVar variation 3603147 (VCV003603147.1).

ClinVar aggregate classification (germline): Uncertain significance (1 of 4 stars; one submission).

gnomAD v4.1: 6 of 1,600,196 alleles (0.00037%); highest among the groups gnomAD compares: Admixed American, 0.0033%; no homozygotes.

Submission:

GeneDx
Classification: Uncertain significance. Last evaluated: 2024-08-05. Review status: criteria provided, single submitter. Criteria: GeneDx Variant Classification Process June 2021. Collection method: clinical testing. Allele origin: germline. Affected: yes.
Comment: Not observed at significant frequency in large population cohorts (gnomAD); In silico analysis suggests this variant may impact gene splicing. In the absence of RNA/functional studies, the actual effect of this sequence change is unknown.; Has not been previously published as pathogenic or benign to our knowledge